The following is an entry in ClinVar:

NM_001297595.2(SIN3B):c.908G>A (p.Gly303Glu)

Gene: SIN3B (SIN3 transcription regulator family member B; plus strand). Cytogenetic location: 19p13.11.
Variant type: single nucleotide variant.
Coding change: c.908G>A on transcript NM_001297595.2 (MANE Select); coding-DNA position 908, G replaced by A.
Protein change: p.Gly303Glu; replaces glycine 303 with glutamic acid.
Molecular consequence: missense variant.
Genome position (GRCh38, 1-based): chr19:16,853,127, G>A. VCF-style: chr19-16853127-G-A. GRCh37 (hg19) VCF-style: chr19-16963938-G-A.
Other names: c.908G>A, p.Gly303Glu (NM_015260.4); short protein forms G303E.
Identifiers: ClinVar variation 3365698 (VCV003365698.2).
Genomic context (GRCh38, chr19:16,853,127, plus strand): 5'-AGAAAAAAATGAAACTTCGTGGTACCAAAGACCTGTCCATCGCTGCAGTGGGGAAGTACG[G>A]GACTCTGCAGGAATTTTCTTTCTTTGACAAGGTGAGGGTGGGCCCTGGCTTCCATCTTGG-3'
Protein context (NP_001284524.1, residues 293-313): DLSIAAVGKY[Gly303Glu]TLQEFSFFDK

ClinVar aggregate classification (germline): Uncertain significance (1 of 4 stars; one submission).

gnomAD v4.1: 1 of 1,614,176 alleles (0.000062%); no homozygotes.

Submission:

GeneDx
Classification: Uncertain significance. Last evaluated: 2026-02-06. Review status: criteria provided, single submitter. Criteria: GeneDx Variant Classification Process June 2021. Collection method: clinical testing. Allele origin: germline.
Comment: Not observed at significant frequency in large population cohorts (gnomAD); In silico analysis supports that this missense variant has a deleterious effect on protein structure/function; Has not been previously published as pathogenic or benign to our knowledge